The following is an entry in ClinVar:

NM_005502.4(ABCA1):c.1844C>T (p.Thr615Ile)

Gene: ABCA1 (ATP binding cassette subfamily A member 1; minus strand). Cytogenetic location: 9q31.1.
Variant type: single nucleotide variant.
Coding change: c.1844C>T on transcript NM_005502.4 (MANE Select); coding-DNA position 1844, C replaced by T.
Protein change: p.Thr615Ile; replaces threonine 615 with isoleucine.
Molecular consequence: missense variant.
Genome position (GRCh38, 1-based): chr9:104,830,973, G>A on the plus strand (C>T on the coding strand, the complement: ABCA1 is on the minus strand). VCF-style: chr9-104830973-G-A. GRCh37 (hg19) VCF-style: chr9-107593254-G-A.
Other names: short protein forms T615I.
Identifiers: ClinVar variation 1781215 (VCV001781215.2), dbSNP rs2538176895, ClinGen allele CA374322816.

ClinVar aggregate classification (germline): Uncertain significance (1 of 4 stars; one submission).

Conditions:
Cardiovascular phenotype. Identifiers: MedGen CN230736.

Allele frequency attached by ClinVar (database versions not stated): gnomAD exomes below 0.00001.
gnomAD v4.1: 5 of 1,613,862 alleles (0.00031%); highest among the groups gnomAD compares: Non-Finnish European, 0.00042%; no homozygotes.

Submission:

Ambry Genetics
Classification: Uncertain significance for Cardiovascular phenotype. Last evaluated: 2022-02-04. Review status: criteria provided, single submitter. Criteria: Ambry Variant Classification Scheme 2023. Collection method: clinical testing. Allele origin: germline.
Comment: The p.T615I variant (also known as c.1844C>T), located in coding exon 13 of the ABCA1 gene, results from a C to T substitution at nucleotide position 1844. The threonine at codon 615 is replaced by isoleucine, an amino acid with similar properties. This amino acid position is conserved. In addition, the in silico prediction for this alteration is inconclusive. Since supporting evidence is limited at this time, the clinical significance of this alteration remains unclear.